The following is an entry in ClinVar:

ClinVar aggregate classification (germline): Uncertain significance. Review status: criteria provided, multiple submitters, no conflicts (2 of 4 stars). 3 submissions from 3 submitters: Uncertain significance (3). Last evaluated 2025-12-12.

Conditions:
Hereditary cancer-predisposing syndrome. Also called: Hereditary Cancer Syndrome; Hereditary neoplastic syndrome; Neoplastic Syndromes, Hereditary; Tumor predisposition. Identifiers: Orphanet 140162, MedGen C0027672, MeSH D009386, MONDO:0015356.
Hereditary nonpolyposis colorectal neoplasms. Identifiers: MedGen C0009405, MeSH D003123.

gnomAD v4.1: 1 of 1,613,978 alleles (0.000062%); highest among the groups gnomAD compares: Non-Finnish European, 0.000085%; no homozygotes.

Submissions (3):

Ambry Genetics
Classification: Uncertain significance for Hereditary cancer-predisposing syndrome. Last evaluated: 2025-12-12. Review status: criteria provided, single submitter. Criteria: Ambry Variant Classification Scheme 2023. Collection method: clinical testing. Allele origin: germline.
Comment: The p.A1293T variant (also known as c.3877G>A), located in coding exon 9 of the MSH6 gene, results from a G to A substitution at nucleotide position 3877. The alanine at codon 1293 is replaced by threonine, an amino acid with similar properties. This variant was identified in a cohort of 3,579 African males diagnosed with prostate cancer who underwent multi-gene panel testing of 19 DNA repair and cancer predisposition genes (Matejcic M et al. JCO Precis Oncol, 2020 Jan;4:32-43). This amino acid position is highly conserved in available vertebrate species. In addition, this alteration is predicted to be deleterious by in silico analysis. Since supporting evidence is limited at this time, the clinical significance of this alteration remains unclear.

Labcorp Genetics (formerly Invitae), Labcorp
Classification: Uncertain significance for Hereditary nonpolyposis colorectal neoplasms. Last evaluated: 2025-09-23. Review status: criteria provided, single submitter. Criteria: Invitae Variant Classification Sherloc (09022015). Collection method: clinical testing. Allele origin: germline.
Comment: This sequence change replaces alanine, which is neutral and non-polar, with threonine, which is neutral and polar, at codon 1293 of the MSH6 protein (p.Ala1293Thr). This variant is not present in population databases (gnomAD no frequency). This variant has not been reported in the literature in individuals affected with MSH6-related conditions. ClinVar contains an entry for this variant (Variation ID: 1735760). Invitae Evidence Modeling of protein sequence and biophysical properties (such as structural, functional, and spatial information, amino acid conservation, physicochemical variation, residue mobility, and thermodynamic stability) indicates that this missense variant is not expected to disrupt MSH6 protein function with a negative predictive value of 95%. In summary, the available evidence is currently insufficient to determine the role of this variant in disease. Therefore, it has been classified as a Variant of Uncertain Significance.

Blueprint Genetics
Classification: Uncertain significance. Last evaluated: 2023-08-23. Review status: criteria provided, single submitter. Criteria: ACMG Guidelines, 2015. Collection method: clinical testing. Allele origin: germline.

Literature cited by the submitters: PubMed 32832836 (cited by Ambry Genetics).

NM_000179.3(MSH6):c.3877G>A (p.Ala1293Thr)

Gene: MSH6 (mutS homolog 6; plus strand). Cytogenetic location: 2p16.3.
Variant type: single nucleotide variant.
Coding change: c.3877G>A on transcript NM_000179.3 (MANE Select); coding-DNA position 3877, G replaced by A.
Protein change: p.Ala1293Thr; replaces alanine 1293 with threonine.
Molecular consequence: missense variant. On other transcripts: synonymous variant (1).
Genome position (GRCh38, 1-based): chr2:47,806,527, G>A. VCF-style: chr2-47806527-G-A. GRCh37 (hg19) VCF-style: chr2-48033666-G-A.
Other names: c.3487G>A, p.Ala1163Thr (NM_001281492.2); c.2971G>A, p.Ala991Thr (NM_001281493.2, NM_001281494.2, NM_001406811.1 and 6 more transcripts); c.3973G>A, p.Ala1325Thr (NM_001406795.1); c.3877G>A, p.Ala1293Thr (NM_001406796.1, NM_001406808.1, NM_001406809.1); c.3580G>A, p.Ala1194Thr (NM_001406797.1, NM_001406801.1, NM_001406805.1 and 10 more transcripts); c.3703G>A, p.Ala1235Thr (NM_001406798.1); c.3352G>A, p.Ala1118Thr (NM_001406799.1, NM_001406806.1, NM_001406807.1); c.3864G>A, p.Glu1288= (NM_001406800.1); and 8 more; short protein forms A1194T, A1237T, A1293T, A1295T, A1325T, A242T, A991T, A1235T.
Identifiers: ClinVar variation 1735760 (VCV001735760.9), dbSNP rs1461336062, ClinGen allele CA346761369.